The following is an entry in ClinVar:

NM_000441.2(SLC26A4):c.1458dup (p.Ile487fs)

Gene: SLC26A4 (solute carrier family 26 member 4; plus strand). Cytogenetic location: 7q22.3.
Variant type: Duplication.
Coding change: c.1458dup on transcript NM_000441.2 (MANE Select); coding-DNA position 1458, one base duplicated (T; older notation c.1458dupT).
Protein change: p.Ile487fs; shifts the reading frame from isoleucine 487.
Molecular consequence: frameshift variant.
Genome position (GRCh38, 1-based): chr7:107,695,953, T duplicated. VCF-style (leftmost placement, unchanged base first): chr7-107695952-G-GT. GRCh37 (hg19) VCF-style: chr7-107336397-G-GT.
Other names: short protein forms I487fs.
Identifiers: ClinVar variation 813397 (VCV000813397.2), dbSNP rs1584331188, ClinGen allele CA915945413.

ClinVar aggregate classification (germline): Pathogenic. Review status: criteria provided, single submitter (1 of 4 stars). 3 submissions from 2 submitters: Pathogenic (2). 1 of the submissions does not count toward it. Last evaluated 2023-09-19.

Conditions:
Pendred syndrome (PDS). Also called: Pendred Syndrome (PDS); DEAFNESS WITH GOITER; GOITER-DEAFNESS SYNDROME; HYPOTHYROIDISM, CONGENITAL, DUE TO DYSHORMONOGENESIS, 2B; THYROID DYSHORMONOGENESIS 2B; THYROID HORMONOGENESIS, GENETIC DEFECT IN, 2B. Identifiers: Orphanet 705, MedGen C0271829, MONDO:0010134, OMIM 274600.
Autosomal recessive nonsyndromic hearing loss 4 (DFNB4). Also called: Enlarged vestibular aqueduct, digenic; Nonsyndromic enlarged vestibular aqueduct (NSEVA); Deafness, autosomal recessive 4, with enlarged vestibular aqueduct; NEUROSENSORY NONSYNDROMIC RECESSIVE DEAFNESS 4; FOXI1-Related Pendred Syndrome; KCNJ10-Related Pendred Syndrome. Identifiers: Orphanet 90636, MedGen C3538946, MONDO:0010933, OMIM 600791.

Submissions (3):

Baylor Genetics
Classification: Pathogenic for Autosomal recessive nonsyndromic hearing loss 4. Last evaluated: 2023-09-19. Review status: criteria provided, single submitter. Criteria: ACMG Guidelines, 2015. Collection method: clinical testing. Allele origin: unknown.

Baylor Genetics
Classification: Pathogenic for Pendred syndrome. Review status: criteria provided, single submitter. Criteria: ACMG Guidelines, 2015. Collection method: clinical testing. Allele origin: germline.

Laboratory of Prof. Karen Avraham, Tel Aviv University
Classification: Pathogenic for Autosomal recessive nonsyndromic hearing loss 4. Last evaluated: 2018-05-07. Review status: no assertion criteria provided. Collection method: research. Allele origin: germline. Affected: yes. Not counted in ClinVar's aggregate classification.
Comment: Recessive, postlingual, progressive to profound HL; EVA

Literature cited by the submitters: PubMed 18427006 (cited by Laboratory of Prof. Karen Avraham, Tel Aviv University).